The following is an entry in ClinVar:

NM_004453.4(ETFDH):c.920C>T (p.Ser307Phe)

Gene: ETFDH (electron transfer flavoprotein dehydrogenase; plus strand). Cytogenetic location: 4q32.1.
Variant type: single nucleotide variant.
Coding change: c.920C>T on transcript NM_004453.4 (MANE Select); coding-DNA position 920, C replaced by T.
Protein change: p.Ser307Phe; replaces serine 307 with phenylalanine.
Molecular consequence: missense variant.
Genome position (GRCh38, 1-based): chr4:158,697,647, C>T. VCF-style: chr4-158697647-C-T. GRCh37 (hg19) VCF-style: chr4-159618799-C-T.
Other names: p.S307F; c.779C>T, p.Ser260Phe (NM_001281737.2); c.737C>T, p.Ser246Phe (NM_001281738.1); short protein forms S246F, S260F, S307F.
Identifiers: ClinVar variation 1284259 (VCV001284259.5), dbSNP rs769047475, ClinGen allele CA358561566.

ClinVar aggregate classification (germline): Uncertain significance. Review status: criteria provided, single submitter (1 of 4 stars). 2 submissions from 2 submitters: Uncertain significance (1). 1 of the submissions does not count toward it.

Conditions:
Multiple acyl-CoA dehydrogenase deficiency (MADD). Also called: Glutaric aciduria, type 2; Glutaric Acidemia type 2; Glutaric acidemia type II; GA 2; ETHYLMALONIC-ADIPICACIDURIA; GA II. Identifiers: Orphanet 26791, MedGen C0268596, MONDO:0009282, OMIM 231680.

Submissions (2):

Juno Genomics, Hangzhou Juno Genomics, Inc
Classification: Uncertain significance for Multiple acyl-CoA dehydrogenase deficiency. Review status: criteria provided, single submitter. Criteria: ACMG Guidelines, 2015. Collection method: clinical testing. Allele origin: germline.
Comment: Absent from controls (or at extremely low frequency if recessive) in Genome Aggregation Database.;Multiple lines of computational evidence support a deleterious effect on the gene or gene product.;Patient's phenotype or family history is highly specific for a disease with a single genetic etiology.

Department of Neurology, Second Xiangya Hospital of Central South University
Classification: Likely pathogenic for Multiple acyl-CoA dehydrogenase deficiency. Last evaluated: 2021-09-23. Review status: no assertion criteria provided. Collection method: clinical testing. Allele origin: germline. Inheritance: Autosomal recessive inheritance. Affected: yes. Observed: 1 compound heterozygote. Not counted in ClinVar's aggregate classification.